The following is an entry in ClinVar:

ClinVar aggregate classification (germline): Conflicting classifications of pathogenicity. Review status: criteria provided, conflicting classifications (1 of 4 stars). 2 submissions from 2 submitters: Uncertain significance (1); Likely benign (1). Last evaluated 2023-07-01.

Conditions:
Nemaline myopathy 7 (NEM7). Also called: Nemaline myopathy 7, autosomal recessive. Identifiers: Orphanet 171436, MedGen C1853154, MONDO:0012538, OMIM 610687.

Allele frequency attached by ClinVar (database versions not stated): 1000 Genomes Project 0.00319; 1000 Genomes Project 30x 0.00359; gnomAD 0.00379 and 0.00402; TOPMed 0.00391; gnomAD exomes 0.00422 and 0.00506; ExAC 0.00459.
gnomAD v4.1: 2,167 of 453,706 alleles (0.48%); highest among the groups gnomAD compares: Middle Eastern, 2.4%; 9 homozygotes.

Submissions (2):

CeGaT Center for Human Genetics Tuebingen
Classification: Likely benign. Last evaluated: 2023-07-01. Review status: criteria provided, single submitter. Criteria: CeGaT Center For Human Genetics Tuebingen Variant Classification Criteria Version 2. Collection method: clinical testing. Allele origin: germline. Affected: yes. Observed: 2 variant alleles.
Comment: CFL2: BS2

Illumina Laboratory Services, Illumina
Classification: Uncertain significance for Nemaline myopathy 7. Last evaluated: 2018-01-13. Review status: criteria provided, single submitter. Criteria: ICSL Variant Classification Criteria 13 December 2019. Collection method: clinical testing. Allele origin: germline.

NM_138638.5(CFL2):c.*1036G>A

Gene: CFL2 (cofilin 2; minus strand). Cytogenetic location: 14q13.1.
Variant type: single nucleotide variant.
Coding change: c.*1036G>A on transcript NM_138638.5 (MANE Select); 1036 bases downstream of the stop codon, G replaced by A.
Molecular consequence: 3 prime UTR variant. On other transcripts: non-coding transcript variant (2).
Genome position (GRCh38, 1-based): chr14:34,711,829, C>T on the plus strand (G>A on the coding strand, the complement: CFL2 is on the minus strand). VCF-style: chr14-34711829-C-T. GRCh37 (hg19) VCF-style: chr14-35181035-C-T.
Other names: c.*1036G>A (NM_001243645.2, NM_021914.8).
Identifiers: ClinVar variation 313086 (VCV000313086.33), dbSNP rs150492527, ClinGen allele CA7152187.